The following is an entry in ClinVar:

NM_002691.4(POLD1):c.2470A>T (p.Met824Leu)

Gene: POLD1 (DNA polymerase delta 1, catalytic subunit; plus strand). Cytogenetic location: 19q13.33.
Variant type: single nucleotide variant.
Coding change: c.2470A>T on transcript NM_002691.4 (MANE Select); coding-DNA position 2470, A replaced by T.
Protein change: p.Met824Leu; replaces methionine 824 with leucine.
Molecular consequence: missense variant. On other transcripts: non-coding transcript variant (1).
Genome position (GRCh38, 1-based): chr19:50,414,896, A>T. VCF-style: chr19-50414896-A-T. GRCh37 (hg19) VCF-style: chr19-50918153-A-T.
Other names: c.2470A>T (NM_002691.2); c.2470A>T, p.Met824Leu (NM_001256849.1); c.2548A>T, p.Met850Leu (NM_001308632.1); short protein forms M824L, M850L.
Identifiers: ClinVar variation 847321 (VCV000847321.11), dbSNP rs779675467, ClinGen allele CA406984845.

ClinVar aggregate classification (germline): Uncertain significance. Review status: criteria provided, multiple submitters, no conflicts (2 of 4 stars). 2 submissions from 2 submitters: Uncertain significance (2). Last evaluated 2025-05-23.

Conditions:
Hereditary cancer-predisposing syndrome. Also called: Tumor predisposition; Hereditary Cancer Syndrome; Hereditary neoplastic syndrome; Neoplastic Syndromes, Hereditary. Identifiers: Orphanet 140162, MedGen C0027672, MeSH D009386, MONDO:0015356.
POLD1-related polyposis and colorectal cancer syndrome (CRCS10). Also called: Colorectal cancer 10; COLORECTAL CANCER, SUSCEPTIBILITY TO, ON CHROMOSOME 19q; Colorectal cancer, susceptibility to, 10. Identifiers: Orphanet 220460, MedGen C2675481, MONDO:0012953, OMIM 612591.

Submissions (2):

Labcorp Genetics (formerly Invitae), Labcorp
Classification: Uncertain significance for POLD1-related polyposis and colorectal cancer syndrome. Last evaluated: 2025-05-23. Review status: criteria provided, single submitter. Criteria: Invitae Variant Classification Sherloc (09022015). Collection method: clinical testing. Allele origin: germline.
Comment: This sequence change replaces methionine, which is neutral and non-polar, with leucine, which is neutral and non-polar, at codon 824 of the POLD1 protein (p.Met824Leu). This variant is not present in population databases (gnomAD no frequency). This variant has not been reported in the literature in individuals affected with POLD1-related conditions. ClinVar contains an entry for this variant (Variation ID: 847321). Invitae Evidence Modeling of protein sequence and biophysical properties (such as structural, functional, and spatial information, amino acid conservation, physicochemical variation, residue mobility, and thermodynamic stability) indicates that this missense variant is not expected to disrupt POLD1 protein function with a negative predictive value of 80%. In summary, the available evidence is currently insufficient to determine the role of this variant in disease. Therefore, it has been classified as a Variant of Uncertain Significance.

Ambry Genetics
Classification: Uncertain significance for Hereditary cancer-predisposing syndrome. Last evaluated: 2023-04-22. Review status: criteria provided, single submitter. Criteria: Ambry Variant Classification Scheme 2023. Collection method: clinical testing. Allele origin: germline.
Comment: The p.M824L variant (also known as c.2470A>T), located in coding exon 19 of the POLD1 gene, results from an A to T substitution at nucleotide position 2470. The methionine at codon 824 is replaced by leucine, an amino acid with highly similar properties. This amino acid position is conserved. In addition, this alteration is predicted to be tolerated by in silico analysis. Since supporting evidence is limited at this time, the clinical significance of this alteration remains unclear.